The following is an entry in ClinVar:

ClinVar aggregate classification (germline): Uncertain significance. Review status: criteria provided, single submitter (1 of 4 stars). 2 submissions from 2 submitters: Uncertain significance (1). 1 of the submissions does not count toward it. Last evaluated 2024-09-16.

Conditions:
Atypical glycine encephalopathy. Also called: Glycine encephalopathy with normal serum glycine. Identifiers: Orphanet 289863, MedGen C4310943, MONDO:0015010, OMIM 617301.
Prostate cancer. Also called: Malignant tumor of prostate. Identifiers: Orphanet 1331, MedGen C0376358, MONDO:0008315, HP:0012125.

Allele frequency attached by ClinVar (database versions not stated): gnomAD exomes 0.00001; ExAC 0.00001; gnomAD 0.00002; TOPMed 0.00002.
gnomAD v4.1: 10 of 1,613,960 alleles (0.00062%); highest among the groups gnomAD compares: Middle Eastern, 0.033%; no homozygotes.

Submissions (2):

Labcorp Genetics (formerly Invitae), Labcorp
Classification: Uncertain significance for Atypical glycine encephalopathy. Last evaluated: 2024-09-16. Review status: criteria provided, single submitter. Criteria: Invitae Variant Classification Sherloc (09022015). Collection method: clinical testing. Allele origin: germline.
Comment: This sequence change replaces glutamic acid, which is acidic and polar, with lysine, which is basic and polar, at codon 266 of the SLC6A9 protein (p.Glu266Lys). This variant is present in population databases (rs193921002, gnomAD 0.002%). This variant has not been reported in the literature in individuals affected with SLC6A9-related conditions. ClinVar contains an entry for this variant (Variation ID: 161857). An algorithm developed to predict the effect of missense changes on protein structure and function (PolyPhen-2) suggests that this variant is likely to be tolerated. In summary, the available evidence is currently insufficient to determine the role of this variant in disease. Therefore, it has been classified as a Variant of Uncertain Significance.

Science for Life laboratory,  Karolinska Institutet
Classification: Uncertain significance for Malignant tumor of prostate. Review status: no assertion criteria provided. Collection method: not provided. Allele origin: somatic. Not counted in ClinVar's aggregate classification.
Comment: TumorID:SWE-5
ClinVar note: Converted during submission from Unknown to Uncertain significance.

NM_001024845.3(SLC6A9):c.577G>A (p.Glu193Lys)

Gene: SLC6A9 (solute carrier family 6 member 9; minus strand). Cytogenetic location: 1p34.1.
Variant type: single nucleotide variant.
Coding change: c.577G>A on transcript NM_001024845.3 (MANE Select); coding-DNA position 577, G replaced by A.
Protein change: p.Glu193Lys; replaces glutamic acid 193 with lysine.
Molecular consequence: missense variant. On other transcripts: non-coding transcript variant (1).
Genome position (GRCh38, 1-based): chr1:44,008,366, C>T on the plus strand (G>A on the coding strand, the complement: SLC6A9 is on the minus strand). VCF-style: chr1-44008366-C-T. GRCh37 (hg19) VCF-style: chr1-44474038-C-T.
Other names: c.589G>A, p.Glu197Lys (NM_001261380.2); c.244G>A, p.Glu82Lys (NM_001328626.2, NM_001328630.2); c.514G>A, p.Glu172Lys (NM_001328627.1); c.382G>A, p.Glu128Lys (NM_001328628.1); c.577G>A, p.Glu193Lys (NM_001328629.1); c.634G>A, p.Glu212Lys (NM_006934.4); c.796G>A, p.Glu266Lys (NM_201649.4); short protein forms E266K, E193K, E197K, E212K, E82K, E172K, E128K.
Identifiers: ClinVar variation 161857 (VCV000161857.7), dbSNP rs193921002, ClinGen allele CA174918.